The following is an entry in ClinVar:

NM_001035.3(RYR2):c.2204-12T>A

Gene: RYR2 (ryanodine receptor 2; plus strand). Cytogenetic location: 1q43.
Variant type: single nucleotide variant.
Coding change: c.2204-12T>A on transcript NM_001035.3 (MANE Select); 12 bases into the intron before coding-DNA position 2204, T replaced by A.
Molecular consequence: intron variant.
Genome position (GRCh38, 1-based): chr1:237,500,699, T>A. VCF-style: chr1-237500699-T-A. GRCh37 (hg19) VCF-style: chr1-237663999-T-A.
Identifiers: ClinVar variation 1332258 (VCV001332258.2), dbSNP rs753604347, ClinGen allele CA2573051526.
Genomic context (GRCh38, chr1:237,500,699, plus strand): 5'-GACTTTGGCTCTGAAGCTGATTCTCTGAGATAAAAAAATACATGACCTTCCTTAATGTTT[T>A]CCCCCCAATAGGTTGTATTGCTCGTACTGTAAGCTCACCAAACCAACATCTGTTAAGAAC-3'

ClinVar aggregate classification (germline): Uncertain significance (1 of 4 stars; one submission).

Conditions:
Cardiomyopathy (CMYO). Also called: Cardiomyopathies. Identifiers: Orphanet 167848, MedGen C0878544, MONDO:0004994, HP:0001638. Inheritance: Various modes of inheritance.

Submission:

Color Diagnostics, LLC DBA Color Health
Classification: Uncertain significance for Cardiomyopathy. Last evaluated: 2021-03-16. Review status: criteria provided, single submitter. Criteria: ACMG Guidelines, 2015. Collection method: clinical testing. Allele origin: germline.
Comment: This variant causes a T to A nucleotide substitution at the -12 position of intron 20 of the RYR2 gene. Splice prediction tools and conservation analysis are inconclusive regarding the impact of this variant on RNA splicing. To our knowledge, functional studies have not been reported for this variant. This variant has not been reported in individuals affected with cardiovascular disorders in the literature. This variant has not been identified in the general population by the Genome Aggregation Database (gnomAD). The available evidence is insufficient to determine the role of this variant in disease conclusively. Therefore, this variant is classified as a Variant of Uncertain Significance.